The following is an entry in ClinVar:

NM_000051.4(ATM):c.8418+9C>T

Genes: ATM (ATM serine/threonine kinase; plus strand), C11orf65 (chromosome 11 open reading frame 65; minus strand). Cytogenetic location: 11q22.3.
Variant type: single nucleotide variant.
Coding change: c.8418+9C>T on transcript NM_000051.4 (MANE Select); 9 bases into the intron after coding-DNA position 8418, C replaced by T.
Molecular consequence: intron variant.
Genome position (GRCh38, 1-based): chr11:108,343,380, C>T. VCF-style: chr11-108343380-C-T. GRCh37 (hg19) VCF-style: chr11-108214107-C-T.
Other names: c.8418+9C>T (NM_001351834.2); c.641-34309G>A (NM_001330368.2); c.695-8088G>A (NM_001351110.2).
Identifiers: ClinVar variation 2112090 (VCV002112090.5), dbSNP rs2547420432, ClinGen allele CA2580083402.

ClinVar aggregate classification (germline): Likely benign. Review status: criteria provided, multiple submitters, no conflicts (2 of 4 stars). 2 submissions from 2 submitters: Likely benign (2). Last evaluated 2024-06-19.

Conditions:
Ataxia-telangiectasia syndrome (AT). Also called: ATAXIA-TELANGIECTASIA, COMPLEMENTATION GROUP A; ATAXIA-TELANGIECTASIA, FRESNO VARIANT; Ataxia-telangiectasia; Ataxia-telangiectasia, complementation group E; LOUIS-BAR SYNDROME; Cerebello-oculocutaneous telangiectasia. Identifiers: Orphanet 100, MedGen C0004135, MONDO:0008840, OMIM 208900.
Familial cancer of breast. Also called: BREAST CANCER, FAMILIAL; hereditary breast carcinoma; Hereditary breast cancer. Identifiers: Orphanet 227535, MedGen C0346153, MONDO:0016419, OMIM 114480. Disease mechanism: loss of function.

Allele frequency attached by ClinVar (database versions not stated): gnomAD exomes below 0.00001.
gnomAD v4.1: 1 of 1,613,668 alleles (0.000062%); highest among the groups gnomAD compares: Non-Finnish European, 0.000085%; no homozygotes.

Submissions (2):

Myriad Genetics, Inc.
Classification: Likely benign for Familial cancer of breast. Last evaluated: 2024-06-19. Review status: criteria provided, single submitter. Criteria: Myriad Autosomal Dominant, Autosomal Recessive and X-Linked Classification Criteria (2023). Collection method: clinical testing. Allele origin: unknown.
Comment: This variant is considered likely benign. This variant is intronic and is not expected to impact mRNA splicing.

Labcorp Genetics (formerly Invitae), Labcorp
Classification: Likely benign for Ataxia-telangiectasia syndrome. Last evaluated: 2022-03-14. Review status: criteria provided, single submitter. Criteria: Invitae Variant Classification Sherloc (09022015). Collection method: clinical testing. Allele origin: germline.